The following is an entry in ClinVar:

ClinVar aggregate classification (germline): Uncertain significance (1 of 4 stars; one submission).

gnomAD v4.1: 8 of 1,614,052 alleles (0.0005%); highest among the groups gnomAD compares: Non-Finnish European, 0.00059%; no homozygotes.

Submission:

Labcorp Genetics (formerly Invitae), Labcorp
Classification: Uncertain significance. Last evaluated: 2024-08-21. Review status: criteria provided, single submitter. Criteria: Invitae Variant Classification Sherloc (09022015). Collection method: clinical testing. Allele origin: germline.
Comment: This sequence change replaces glycine, which is neutral and non-polar, with valine, which is neutral and non-polar, at codon 434 of the ZIC1 protein (p.Gly434Val). This variant is not present in population databases (gnomAD no frequency). This variant has not been reported in the literature in individuals affected with ZIC1-related conditions. An algorithm developed to predict the effect of missense changes on protein structure and function (PolyPhen-2) suggests that this variant is likely to be tolerated. In summary, the available evidence is currently insufficient to determine the role of this variant in disease. Therefore, it has been classified as a Variant of Uncertain Significance.

NM_003412.4(ZIC1):c.1301G>T (p.Gly434Val)

Gene: ZIC1 (Zic family zinc finger 1; plus strand). Cytogenetic location: 3q24.
Variant type: single nucleotide variant.
Coding change: c.1301G>T on transcript NM_003412.4 (MANE Select); coding-DNA position 1301, G replaced by T.
Protein change: p.Gly434Val; replaces glycine 434 with valine.
Molecular consequence: missense variant.
Genome position (GRCh38, 1-based): chr3:147,413,508, G>T. VCF-style: chr3-147413508-G-T. GRCh37 (hg19) VCF-style: chr3-147131295-G-T.
Other names: short protein forms G434V.
Identifiers: ClinVar variation 3679307 (VCV003679307.2).